The following is an entry in ClinVar:

NM_014875.3(KIF14):c.3910C>T (p.Gln1304Ter)

Gene: KIF14 (kinesin family member 14; minus strand). Cytogenetic location: 1q32.1.
Variant type: single nucleotide variant.
Coding change: c.3910C>T on transcript NM_014875.3 (MANE Select); coding-DNA position 3910, C replaced by T.
Protein change: p.Gln1304Ter; replaces glutamine 1304 with a stop codon.
Molecular consequence: nonsense.
Genome position (GRCh38, 1-based): chr1:200,565,230, G>A on the plus strand (C>T on the coding strand, the complement: KIF14 is on the minus strand). VCF-style: chr1-200565230-G-A. GRCh37 (hg19) VCF-style: chr1-200534358-G-A.
Other names: c.2437C>T, p.Gln813Ter (NM_001305792.1); short protein forms Q1304*, Q813*.
Identifiers: ClinVar variation 3902527 (VCV003902527.1).

ClinVar aggregate classification (germline): Pathogenic (1 of 4 stars; one submission).

Conditions:
Microcephaly 20, primary, autosomal recessive. Identifiers: MedGen C4693572, MONDO:0054761, OMIM 617914.

Submission:

Women's Health and Genetics/Laboratory Corporation of America, LabCorp
Classification: Pathogenic for Microcephaly 20, primary, autosomal recessive. Last evaluated: 2025-05-05. Review status: criteria provided, single submitter. Criteria: LabCorp Variant Classification Summary - May 2015. Collection method: clinical testing. Allele origin: germline.
Comment: Variant summary: KIF14 c.3910C>T (p.Gln1304X) results in a premature termination codon, predicted to cause a truncation of the encoded protein or absence of the protein due to nonsense mediated decay, which are commonly known mechanisms for disease. The variant was absent in 237382 control chromosomes. c.3910C>T has been observed in compound heterozygous individual affected with Microcephaly 20, Primary, Autosomal Recessive (e.g. Reilly_2019). These data indicate that the variant may be associated with disease. One publication reports experimental evidence evaluating an impact on protein function, however, does not allow convincing conclusions about the variant effect (e.g. Reilly_2019). The following publication has been ascertained in the context of this evaluation (PMID: 30388224). No submitters have cited clinical-significance assessments for this variant to ClinVar. Based on the evidence outlined above, the variant was classified as pathogenic.

Literature cited by the submitters: PubMed 30388224.